The following is an entry in ClinVar:

NM_001199138.2(NLRC4):c.128G>A (p.Cys43Tyr)

Gene: NLRC4 (NLR family CARD domain containing 4; minus strand). Cytogenetic location: 2p22.3.
Variant type: single nucleotide variant.
Coding change: c.128G>A on transcript NM_001199138.2 (MANE Select); coding-DNA position 128, G replaced by A.
Protein change: p.Cys43Tyr; replaces cysteine 43 with tyrosine.
Molecular consequence: missense variant.
Genome position (GRCh38, 1-based): chr2:32,252,553, C>T on the plus strand (G>A on the coding strand, the complement: NLRC4 is on the minus strand). VCF-style: chr2-32252553-C-T. GRCh37 (hg19) VCF-style: chr2-32477622-C-T.
Other names: c.128G>A, p.Cys43Tyr (NM_001199139.2, NM_001302504.2, NM_021209.5); short protein forms C43Y.
Identifiers: ClinVar variation 2932229 (VCV002932229.4), dbSNP rs763554741, ClinGen allele CA1602214.

ClinVar aggregate classification (germline): Uncertain significance. Review status: criteria provided, multiple submitters, no conflicts (2 of 4 stars). 2 submissions from 2 submitters: Uncertain significance (2). Last evaluated 2024-12-02.

Conditions:
Periodic fever-infantile enterocolitis-autoinflammatory syndrome. Also called: Autoinflammation with infantile enterocolitis. Identifiers: Orphanet 436166, MedGen C4015067, MONDO:0014472, OMIM 616050.
Familial cold autoinflammatory syndrome 4 (FCAS4). Identifiers: Orphanet 47045, Orphanet 576349, MedGen C4015276, MONDO:0014498, OMIM 616115.
Inborn genetic diseases. Identifiers: MedGen C0950123, MeSH D030342.

Allele frequency attached by ClinVar (database versions not stated): TOPMed 0.00001; gnomAD 0.00002; ExAC 0.00001; gnomAD exomes 0.00001.

Submissions (2):

Ambry Genetics
Classification: Uncertain significance for Inborn genetic diseases. Last evaluated: 2024-12-02. Review status: criteria provided, single submitter. Criteria: Ambry Variant Classification Scheme 2023. Collection method: clinical testing. Allele origin: germline.

Labcorp Genetics (formerly Invitae), Labcorp
Classification: Uncertain significance for Periodic fever-infantile enterocolitis-autoinflammatory syndrome; Familial cold autoinflammatory syndrome 4. Last evaluated: 2024-05-10. Review status: criteria provided, single submitter. Criteria: Invitae Variant Classification Sherloc (09022015). Collection method: clinical testing. Allele origin: germline.
Comment: This sequence change replaces cysteine, which is neutral and slightly polar, with tyrosine, which is neutral and polar, at codon 43 of the NLRC4 protein (p.Cys43Tyr). This variant is present in population databases (rs763554741, gnomAD 0.006%). This variant has not been reported in the literature in individuals affected with NLRC4-related conditions. An algorithm developed to predict the effect of missense changes on protein structure and function (PolyPhen-2) suggests that this variant is likely to be tolerated. In summary, the available evidence is currently insufficient to determine the role of this variant in disease. Therefore, it has been classified as a Variant of Uncertain Significance.